The following is an entry in ClinVar:

NM_018136.5(ASPM):c.1849A>T (p.Thr617Ser)

Gene: ASPM (assembly factor for spindle microtubules; minus strand). Cytogenetic location: 1q31.3.
Variant type: single nucleotide variant.
Coding change: c.1849A>T on transcript NM_018136.5 (MANE Select); coding-DNA position 1849, A replaced by T.
Protein change: p.Thr617Ser; replaces threonine 617 with serine.
Molecular consequence: missense variant.
Genome position (GRCh38, 1-based): chr1:197,142,403, T>A on the plus strand (A>T on the coding strand, the complement: ASPM is on the minus strand). VCF-style: chr1-197142403-T-A. GRCh37 (hg19) VCF-style: chr1-197111533-T-A.
Other names: c.1849A>T, p.Thr617Ser (NM_001206846.2); c.1849A>T (NM_018136.4); short protein forms T617S.
Identifiers: ClinVar variation 2041870 (VCV002041870.5), dbSNP rs1658614456, ClinGen allele CA344013161.

ClinVar aggregate classification (germline): Uncertain significance. Review status: criteria provided, multiple submitters, no conflicts (2 of 4 stars). 2 submissions from 2 submitters: Uncertain significance (2). Last evaluated 2025-04-29.

Conditions:
Inborn genetic diseases. Identifiers: MedGen C0950123, MeSH D030342.

Submissions (2):

Ambry Genetics
Classification: Uncertain significance for Inborn genetic diseases. Last evaluated: 2025-04-29. Review status: criteria provided, single submitter. Criteria: Ambry Variant Classification Scheme 2023. Collection method: clinical testing. Allele origin: germline.

Labcorp Genetics (formerly Invitae), Labcorp
Classification: Uncertain significance. Last evaluated: 2022-07-15. Review status: criteria provided, single submitter. Criteria: Invitae Variant Classification Sherloc (09022015). Collection method: clinical testing. Allele origin: germline.
Comment: This variant has not been reported in the literature in individuals affected with ASPM-related conditions. In summary, the available evidence is currently insufficient to determine the role of this variant in disease. Therefore, it has been classified as a Variant of Uncertain Significance. Algorithms developed to predict the effect of missense changes on protein structure and function output the following: SIFT: "Tolerated"; PolyPhen-2: "Benign"; Align-GVGD: "Class C0". The serine amino acid residue is found in multiple mammalian species, which suggests that this missense change does not adversely affect protein function. This variant is not present in population databases (gnomAD no frequency). This sequence change replaces threonine, which is neutral and polar, with serine, which is neutral and polar, at codon 617 of the ASPM protein (p.Thr617Ser).